The following is an entry in ClinVar:

NM_017617.5(NOTCH1):c.6509G>A (p.Ser2170Asn)

Gene: NOTCH1 (notch receptor 1; minus strand). Cytogenetic location: 9q34.3.
Variant type: single nucleotide variant.
Coding change: c.6509G>A on transcript NM_017617.5 (MANE Select); coding-DNA position 6509, G replaced by A.
Protein change: p.Ser2170Asn; replaces serine 2170 with asparagine.
Molecular consequence: missense variant.
Genome position (GRCh38, 1-based): chr9:136,497,230, C>T on the plus strand (G>A on the coding strand, the complement: NOTCH1 is on the minus strand). VCF-style: chr9-136497230-C-T. GRCh37 (hg19) VCF-style: chr9-139391682-C-T.
Other names: c.6509G>A, p.Ser2170Asn (LRG_1122t1); short protein forms S2170N.
Identifiers: ClinVar variation 477961 (VCV000477961.31), dbSNP rs200254239, ClinGen allele CA5339884.
Genomic context (GRCh38, chr9:136,497,230, plus strand): 5'-AGGCAGCCCTTGCCGTCCTGGGACTTCTTCCTCCGTGCCTTGAGGTCCTTGGCCTCCTTG[C>T]TTCCACAGGCCAGGCCTTTGCTGCTGGGCTTGCGGACCTTCTTGCCCTGCACGCCGGGCT-3'
Protein context (NP_060087.3, residues 2160-2180): KPSSKGLACG[Ser2170Asn]KEAKDLKARR

ClinVar aggregate classification (germline): Conflicting classifications of pathogenicity. Review status: criteria provided, conflicting classifications (1 of 4 stars). 8 submissions from 8 submitters: Uncertain significance (2); Likely benign (6). Last evaluated 2025-12-19.

Conditions:
Adams-Oliver syndrome 5 (AOS5). Identifiers: Orphanet 974, MedGen C4014970, MONDO:0014459, OMIM 616028.
Familial thoracic aortic aneurysm and aortic dissection (TAAD). Also called: Thoracic aortic aneurysms and dissections. Identifiers: Orphanet 91387, MedGen C4707243, MONDO:0019625.

Allele frequency attached by ClinVar (database versions not stated): TOPMed 0.00011; gnomAD 0.00014; gnomAD exomes 0.00014 and 0.00033; ExAC 0.00016; ESP Exome Variant Server 0.00031.

Submissions (8):

Labcorp Genetics (formerly Invitae), Labcorp
Classification: Likely benign for Adams-Oliver syndrome 5. Last evaluated: 2025-12-19. Review status: criteria provided, single submitter. Criteria: Invitae Variant Classification Sherloc (09022015). Collection method: clinical testing. Allele origin: germline.

GeneDx
Classification: Uncertain significance. Last evaluated: 2025-09-23. Review status: criteria provided, single submitter. Criteria: GeneDx Variant Classification Process June 2021. Collection method: clinical testing. Allele origin: germline. Affected: yes.
Comment: Has not been previously published as pathogenic or benign to our knowledge; In silico analysis suggests that this missense variant does not alter protein structure/function

CeGaT Center for Human Genetics Tuebingen
Classification: Likely benign. Last evaluated: 2025-04-01. Review status: criteria provided, single submitter. Criteria: CeGaT Center For Human Genetics Tuebingen Variant Classification Criteria Version 2. Collection method: clinical testing. Allele origin: germline. Affected: yes. Observed: 1 variant allele.
Comment: NOTCH1: BP4, BS2

Blueprint Genetics
Classification: Likely benign. Last evaluated: 2024-11-05. Review status: criteria provided, single submitter. Criteria: ACMG Guidelines, 2015. Collection method: clinical testing. Allele origin: germline.

ARUP Laboratories, Molecular Genetics and Genomics, ARUP Laboratories
Classification: Likely benign. Last evaluated: 2024-06-03. Review status: criteria provided, single submitter. Criteria: ARUP Molecular Germline Variant Investigation Process 2024. Collection method: clinical testing. Allele origin: germline.

Women's Health and Genetics/Laboratory Corporation of America, LabCorp
Classification: Likely benign. Last evaluated: 2023-10-11. Review status: criteria provided, single submitter. Criteria: LabCorp Variant Classification Summary - May 2015. Collection method: clinical testing. Allele origin: germline.
Comment: Variant summary: NOTCH1 c.6509G>A (p.Ser2170Asn) results in a conservative amino acid change in the encoded protein sequence. Three of four in-silico tools predict a benign effect of the variant on protein function. The variant allele was found at a frequency of 0.00014 in 247136 control chromosomes. The observed variant frequency is approximately 220.12 fold of the estimated maximal expected allele frequency for a pathogenic variant in NOTCH1 causing Adams-Oliver Syndrome 5 phenotype (6.3e-07), strongly suggesting that the variant is benign. To our knowledge, no occurrence of c.6509G>A in individuals affected with Adams-Oliver Syndrome 5 and no experimental evidence demonstrating its impact on protein function have been reported. Four submitters have cited clinical-significance assessments for this variant to ClinVar after 2014. Multiple submitters reported the variant with conflicting assessments. Based on the evidence outlined above, the variant was classified as likely benign.

Ambry Genetics
Classification: Uncertain significance for Familial thoracic aortic aneurysm and aortic dissection. Last evaluated: 2023-05-19. Review status: criteria provided, single submitter. Criteria: Ambry Variant Classification Scheme 2023. Collection method: clinical testing. Allele origin: germline.
Comment: The p.S2170N variant (also known as c.6509G>A), located in coding exon 34 of the NOTCH1 gene, results from a G to A substitution at nucleotide position 6509. The serine at codon 2170 is replaced by asparagine, an amino acid with highly similar properties. This amino acid position is poorly conserved in available vertebrate species. In addition, this alteration is predicted to be tolerated by in silico analysis. Since supporting evidence is limited at this time, the clinical significance of this alteration remains unclear.

CHEO Genetics Diagnostic Laboratory, Children's Hospital of Eastern Ontario
Classification: Likely benign for Familial thoracic aortic aneurysm and aortic dissection. Last evaluated: 2021-01-05. Review status: criteria provided, single submitter. Criteria: ACMG Guidelines, 2015. Collection method: clinical testing. Allele origin: germline. Study: Canadian Open Genetics Repository.

Literature cited by the submitters: PubMed 24943832 (cited by Women's Health and Genetics/Laboratory Corporation of America, LabCorp); PubMed 16614245 (cited by Women's Health and Genetics/Laboratory Corporation of America, LabCorp); PubMed 21670202 (cited by Women's Health and Genetics/Laboratory Corporation of America, LabCorp); PubMed 22210878 (cited by Women's Health and Genetics/Laboratory Corporation of America, LabCorp); PubMed 19635999 (cited by Women's Health and Genetics/Laboratory Corporation of America, LabCorp); PubMed 26837699 (cited by Women's Health and Genetics/Laboratory Corporation of America, LabCorp); PubMed 23086750 (cited by Women's Health and Genetics/Laboratory Corporation of America, LabCorp); PubMed 19245433 (cited by Women's Health and Genetics/Laboratory Corporation of America, LabCorp); PubMed 22077063 (cited by Women's Health and Genetics/Laboratory Corporation of America, LabCorp); PubMed 15472075 (cited by Women's Health and Genetics/Laboratory Corporation of America, LabCorp); PubMed 23734977 (cited by Women's Health and Genetics/Laboratory Corporation of America, LabCorp); PubMed 22858860 (cited by Women's Health and Genetics/Laboratory Corporation of America, LabCorp).